The following is an entry in ClinVar:

ClinVar aggregate classification (germline): Pathogenic (1 of 4 stars; one submission).

Conditions:
Hypogonadotropic hypogonadism 26 with or without anosmia (HH26). Identifiers: MedGen C5676903, MONDO:0030534, OMIM 619718.

Submission:

3billion
Classification: Pathogenic for Hypogonadotropic hypogonadism 26 with or without anosmia. Last evaluated: 2024-06-05. Review status: criteria provided, single submitter. Criteria: ACMG Guidelines, 2015. Collection method: clinical testing. Allele origin: germline. Affected: yes.
Comment: The variant is not observed in the gnomAD v4.0.0 dataset. Predicted Consequence/Location: Stop-gained (nonsense): predicted to result in a loss or disruption of normal protein function through nonsense-mediated decay (NMD) or protein truncation. Multiple pathogenic variants are reported downstream of the variant. Therefore, this variant is classified as Pathogenic according to the recommendation of ACMG/AMP guideline.

NM_207037.2(TCF12):c.797dup (p.Tyr266Ter)

Gene: TCF12 (transcription factor 12; plus strand). Cytogenetic location: 15q21.3.
Variant type: Duplication.
Coding change: c.797dup on transcript NM_207037.2 (MANE Select); coding-DNA position 797, one base duplicated (A; older notation c.797dupA).
Protein change: p.Tyr266Ter; replaces tyrosine 266 with a stop codon.
Molecular consequence: nonsense. On other transcripts: intron variant (1).
Genome position (GRCh38, 1-based): chr15:57,232,402, A duplicated. VCF-style (leftmost placement, unchanged base first): chr15-57232401-T-TA. GRCh37 (hg19) VCF-style: chr15-57524599-T-TA.
Other names: c.287dup, p.Tyr96Ter (NM_001306219.3, NM_207040.2); c.797dup, p.Tyr266Ter (NM_001322151.2, NM_001322152.2, NM_001322157.3 and 7 more transcripts); c.140dup, p.Tyr47Ter (NM_001322154.2); c.623dup, p.Tyr208Ter (NM_001322156.2, NM_001322158.2); c.833dup, p.Tyr278Ter (NM_001322164.2); c.118-310dup (NM_001306220.3); short protein forms Y208*, Y266*, Y278*, Y47*, Y96*.
Identifiers: ClinVar variation 4293067 (VCV004293067.1).